The following is an entry in ClinVar:

ClinVar aggregate classification (germline): Likely benign. Review status: criteria provided, multiple submitters, no conflicts (2 of 4 stars). 2 submissions from 2 submitters: Likely benign (2). Last evaluated 2025-03-24.

Conditions:
ATP8B1-related disorder. Also called: ATP8B1-related disorders; ATP8B1-related condition.

gnomAD v4.1: 5 of 1,614,102 alleles (0.00031%); highest among the groups gnomAD compares: East Asian, 0.0045%; no homozygotes.

Submissions (2):

PreventionGenetics, part of Exact Sciences
Classification: Likely benign for ATP8B1-related condition. Last evaluated: 2025-03-24. Review status: criteria provided, single submitter. Criteria: ACMG Guidelines, 2015. Collection method: clinical testing. Allele origin: germline.
Comment: This variant is classified as likely benign based on ACMG/AMP sequence variant interpretation guidelines (Richards et al. 2015 PMID: 25741868, with internal and published modifications).

Labcorp Genetics (formerly Invitae), Labcorp
Classification: Likely benign. Last evaluated: 2024-03-02. Review status: criteria provided, single submitter. Criteria: Invitae Variant Classification Sherloc (09022015). Collection method: clinical testing. Allele origin: germline.

NM_001374385.1(ATP8B1):c.111G>T (p.Gly37=)

Gene: ATP8B1 (ATPase phospholipid transporting 8B1; minus strand). Cytogenetic location: 18q21.31.
Variant type: single nucleotide variant.
Coding change: c.111G>T on transcript NM_001374385.1 (MANE Select); coding-DNA position 111, G replaced by T.
Protein change: p.Gly37=; no amino-acid change (glycine 37 retained).
Molecular consequence: synonymous variant. On other transcripts: missense variant (1).
Genome position (GRCh38, 1-based): chr18:57,731,697, C>A on the plus strand (G>T on the coding strand, the complement: ATP8B1 is on the minus strand). VCF-style: chr18-57731697-C-A. GRCh37 (hg19) VCF-style: chr18-55398929-C-A.
Other names: c.59G>T, p.Gly20Val (NM_001374386.1); c.111G>T, p.Gly37= (NM_005603.6); c.111G>T (NM_005603.4); short protein forms G20V.
Identifiers: ClinVar variation 3614280 (VCV003614280.3).
Genomic context (GRCh38, chr18:57,731,697, plus strand): 5'-TGGCTCCCGGTTCTCCTCTGCTTCCCTGTTGACTCGGTTTTGTTCTGGTTCAACAGCAGA[C>A]CCCTGGTCATCAAGTTCATCTTCTGTTTCATCATCACTGTAGGGAACCACTTCGTCATTA-3'
Protein context (NP_001361314.1, residues 27-47): DETEDELDDQ[Gly37=]SAVEPEQNRV